The following is an entry in ClinVar:

ClinVar aggregate classification (germline): Uncertain significance (1 of 4 stars; one submission).

Conditions:
Early-infantile DEE. Also called: Early infantile epileptic encephalopathy; Early infantile epileptic encephalopathy with suppression bursts; Ohtahara syndrome. Identifiers: Orphanet 1934, MedGen C0393706, MONDO:0800491.

Allele frequency attached by ClinVar (database versions not stated): gnomAD 0.00001; ExAC 0.00002; gnomAD exomes 0.00002; TOPMed 0.00002.

Submission:

Labcorp Genetics (formerly Invitae), Labcorp
Classification: Uncertain significance for Early-infantile DEE. Last evaluated: 2024-06-15. Review status: criteria provided, single submitter. Criteria: Invitae Variant Classification Sherloc (09022015). Collection method: clinical testing. Allele origin: germline.
Comment: This sequence change replaces aspartic acid, which is acidic and polar, with histidine, which is basic and polar, at codon 862 of the KCNH5 protein (p.Asp862His). This variant is present in population databases (rs780323870, gnomAD 0.004%). This variant has not been reported in the literature in individuals affected with KCNH5-related conditions. ClinVar contains an entry for this variant (Variation ID: 2150890). An algorithm developed to predict the effect of missense changes on protein structure and function (PolyPhen-2) suggests that this variant is likely to be disruptive. In summary, the available evidence is currently insufficient to determine the role of this variant in disease. Therefore, it has been classified as a Variant of Uncertain Significance.

NM_139318.5(KCNH5):c.2584G>C (p.Asp862His)

Gene: KCNH5 (potassium voltage-gated channel subfamily H member 5; minus strand). Cytogenetic location: 14q23.2.
Variant type: single nucleotide variant.
Coding change: c.2584G>C on transcript NM_139318.5 (MANE Select); coding-DNA position 2584, G replaced by C.
Protein change: p.Asp862His; replaces aspartic acid 862 with histidine.
Molecular consequence: missense variant. On other transcripts: 3 prime UTR variant (1).
Genome position (GRCh38, 1-based): chr14:62,707,891, C>G on the plus strand (G>C on the coding strand, the complement: KCNH5 is on the minus strand). VCF-style: chr14-62707891-C-G. GRCh37 (hg19) VCF-style: chr14-63174609-C-G.
Other names: c.*551G>C (NM_172375.3); short protein forms D862H.
Identifiers: ClinVar variation 2150890 (VCV002150890.3), dbSNP rs780323870, ClinGen allele CA7217225.